The following is an entry in ClinVar:

ClinVar aggregate classification (germline): Uncertain significance (1 of 4 stars; one submission).

Conditions:
Leukocyte adhesion deficiency 3. Also called: INTEGRIN ACTIVATION DEFICIENCY DISEASE; LEUKOCYTE ADHESION DEFICIENCY 1 VARIANT; Leukocyte adhesion deficiency, type III. Identifiers: Orphanet 2968, Orphanet 99844, MedGen C2748536, MONDO:0013016, OMIM 612840.

Submission:

Labcorp Genetics (formerly Invitae), Labcorp
Classification: Uncertain significance for Leukocyte adhesion deficiency 3. Last evaluated: 2020-12-18. Review status: criteria provided, single submitter. Criteria: Invitae Variant Classification Sherloc (09022015). Collection method: clinical testing. Allele origin: germline.
Comment: This variant has not been reported in the literature in individuals with FERMT3-related conditions. Algorithms developed to predict the effect of missense changes on protein structure and function output the following: SIFT: "Tolerated"; PolyPhen-2: "Benign"; Align-GVGD: "Class C0". The glycine amino acid residue is found in multiple mammalian species, suggesting that this missense change does not adversely affect protein function. These predictions have not been confirmed by published functional studies and their clinical significance is uncertain. In summary, the available evidence is currently insufficient to determine the role of this variant in disease. Therefore, it has been classified as a Variant of Uncertain Significance. This sequence change replaces serine with glycine at codon 623 of the FERMT3 protein (p.Ser623Gly). The serine residue is moderately conserved and there is a small physicochemical difference between serine and glycine. This variant is not present in population databases (ExAC no frequency).

NM_031471.6(FERMT3):c.1867A>G (p.Ser623Gly)

Gene: FERMT3 (FERM domain containing kindlin 3; plus strand). Cytogenetic location: 11q13.1.
Variant type: single nucleotide variant.
Coding change: c.1867A>G on transcript NM_031471.6 (MANE Select); coding-DNA position 1867, A replaced by G.
Protein change: p.Ser623Gly; replaces serine 623 with glycine.
Molecular consequence: missense variant.
Genome position (GRCh38, 1-based): chr11:64,223,367, A>G. VCF-style: chr11-64223367-A-G. GRCh37 (hg19) VCF-style: chr11-63990839-A-G.
Other names: c.1867A>G, p.Ser623Gly (NM_001382361.1, NM_001382448.1); c.1879A>G, p.Ser627Gly (NM_001382362.1, NM_178443.3); c.1327A>G, p.Ser443Gly (NM_001382363.1); c.1339A>G, p.Ser447Gly (NM_001382364.1); short protein forms S447G, S627G, S623G, S443G.
Identifiers: ClinVar variation 1433522 (VCV001433522.8), dbSNP rs2134906064, ClinGen allele CA381090532.